The following is an entry in ClinVar:

NM_080473.5(GATA5):c.149A>G (p.Glu50Gly)

Gene: GATA5 (GATA binding protein 5; minus strand). Cytogenetic location: 20q13.33.
Variant type: single nucleotide variant.
Coding change: c.149A>G on transcript NM_080473.5 (MANE Select); coding-DNA position 149, A replaced by G.
Protein change: p.Glu50Gly; replaces glutamic acid 50 with glycine.
Molecular consequence: missense variant.
Genome position (GRCh38, 1-based): chr20:62,475,373, T>C on the plus strand (A>G on the coding strand, the complement: GATA5 is on the minus strand). VCF-style: chr20-62475373-T-C. GRCh37 (hg19) VCF-style: chr20-61050429-T-C.
Other names: short protein forms E50G.
Identifiers: ClinVar variation 1721863 (VCV001721863.5), dbSNP rs1989832554, ClinGen allele CA409557670.
Genomic context (GRCh38, chr20:62,475,373, plus strand): 5'-GCGGTGGCTGTCTGCGCCCAGCCGGGGCGCGCAGCGAGCTCGGGGGGCTGCGGGCTCGGC[T>C]CACACCCGGACAGGTAGGACAGCATCGAGGGGACGCGCGCCGGCGGCACAAACATCGGAG-3'
Protein context (NP_536721.1, residues 40-60): PSMLSYLSGC[Glu50Gly]PSPQPPELAA

ClinVar aggregate classification (germline): Uncertain significance (1 of 4 stars; one submission).

Submission:

Labcorp Genetics (formerly Invitae), Labcorp
Classification: Uncertain significance. Last evaluated: 2022-10-19. Review status: criteria provided, single submitter. Criteria: Invitae Variant Classification Sherloc (09022015). Collection method: clinical testing. Allele origin: germline.
Comment: Advanced modeling of protein sequence and biophysical properties (such as structural, functional, and spatial information, amino acid conservation, physicochemical variation, residue mobility, and thermodynamic stability) performed at Invitae indicates that this missense variant is not expected to disrupt GATA5 protein function. This sequence change replaces glutamic acid, which is acidic and polar, with glycine, which is neutral and non-polar, at codon 50 of the GATA5 protein (p.Glu50Gly). This variant is not present in population databases (gnomAD no frequency). This variant has not been reported in the literature in individuals affected with GATA5-related conditions. In summary, the available evidence is currently insufficient to determine the role of this variant in disease. Therefore, it has been classified as a Variant of Uncertain Significance.